The following is an entry in ClinVar:

NM_000218.3(KCNQ1):c.1514+37600_1514+37601insG

Genes: KCNQ1 (potassium voltage-gated channel subfamily Q member 1; plus strand), KCNQ1OT1 (KCNQ1 opposite strand/antisense transcript 1; minus strand). Cytogenetic location: 11p15.5.
Variant type: Insertion.
Coding change: c.1514+37600_1514+37601insG on transcript NM_000218.3 (MANE Select); bases 37600 to 37601 of the intron after coding-DNA position 1514, G inserted.
Molecular consequence: intron variant. On other transcripts: non-coding transcript variant (1).
Genome position: GRCh38 VCF-style: chr11-2699681-A-AG. GRCh37 (hg19) VCF-style: chr11-2720911-A-AG.
Other names: c.1244+37600_1244+37601insG (NM_001406837.1); c.1418+37600_1418+37601insG (NM_001406836.1); c.974+37600_974+37601insG (NM_001406838.1); c.1133+37600_1133+37601insG (NM_181798.2).
Identifiers: ClinVar variation 4981795 (VCV004981795.1).

ClinVar aggregate classification (germline): Likely benign (1 of 4 stars; one submission).

Conditions:
KCNQ1-related disorder. Also called: KCNQ1-related condition; KCNQ1-related disorders. Identifiers: MedGen CN239322.

Submission:

PreventionGenetics, part of Exact Sciences
Classification: Likely benign for KCNQ1-related condition. Last evaluated: 2026-03-06. Review status: criteria provided, single submitter. Criteria: ACMG Guidelines, 2015. Collection method: clinical testing. Allele origin: germline.
Comment: This variant is classified as likely benign based on ACMG/AMP sequence variant interpretation guidelines (Richards et al. 2015 PMID: 25741868, with internal and published modifications).